The following is an entry in ClinVar:

NM_000051.4(ATM):c.5443G>A (p.Asp1815Asn)

Gene: ATM (ATM serine/threonine kinase; plus strand). Cytogenetic location: 11q22.3.
Variant type: single nucleotide variant.
Coding change: c.5443G>A on transcript NM_000051.4 (MANE Select); coding-DNA position 5443, G replaced by A.
Protein change: p.Asp1815Asn; replaces aspartic acid 1815 with asparagine.
Molecular consequence: missense variant.
Genome position (GRCh38, 1-based): chr11:108,302,976, G>A. VCF-style: chr11-108302976-G-A. GRCh37 (hg19) VCF-style: chr11-108173703-G-A.
Other names: c.5443G>A, p.Asp1815Asn (NM_001351834.2); short protein forms D1815N.
Identifiers: ClinVar variation 453578 (VCV000453578.9), dbSNP rs933604666, ClinGen allele CA228388428.

ClinVar aggregate classification (germline): Conflicting classifications of pathogenicity. Review status: criteria provided, conflicting classifications (1 of 4 stars). 2 submissions from 2 submitters: Uncertain significance (1); Likely benign (1). Last evaluated 2025-11-06.

Conditions:
Hereditary cancer-predisposing syndrome. Also called: Tumor predisposition; Hereditary Cancer Syndrome; Neoplastic Syndromes, Hereditary; Hereditary neoplastic syndrome. Identifiers: Orphanet 140162, MedGen C0027672, MeSH D009386, MONDO:0015356.
Ataxia-telangiectasia syndrome (AT). Also called: Cerebello-oculocutaneous telangiectasia; Immunodeficiency with ataxia telangiectasia; Ataxia-telangiectasia, complementation group D; AT, COMPLEMENTATION GROUP C; Ataxia-telangiectasia, complementation group E; LOUIS-BAR SYNDROME. Identifiers: Orphanet 100, MedGen C0004135, MONDO:0008840, OMIM 208900.

Allele frequency attached by ClinVar (database versions not stated): gnomAD exomes below 0.00001; gnomAD 0.00001; TOPMed 0.00003.
gnomAD v4.1: 3 of 1,613,276 alleles (0.00019%); highest among the groups gnomAD compares: African/African-American, 0.0013%; no homozygotes.

Submissions (2):

Ambry Genetics
Classification: Likely benign for Hereditary cancer-predisposing syndrome. Last evaluated: 2025-11-06. Review status: criteria provided, single submitter. Criteria: Ambry Variant Classification Scheme 2023. Collection method: clinical testing. Allele origin: germline.

Labcorp Genetics (formerly Invitae), Labcorp
Classification: Uncertain significance for Ataxia-telangiectasia syndrome. Last evaluated: 2023-09-29. Review status: criteria provided, single submitter. Criteria: Invitae Variant Classification Sherloc (09022015). Collection method: clinical testing. Allele origin: germline.
Comment: This sequence change replaces aspartic acid, which is acidic and polar, with asparagine, which is neutral and polar, at codon 1815 of the ATM protein (p.Asp1815Asn). This variant is not present in population databases (gnomAD no frequency). This variant has not been reported in the literature in individuals affected with ATM-related conditions. ClinVar contains an entry for this variant (Variation ID: 453578). Algorithms developed to predict the effect of missense changes on protein structure and function output the following: SIFT: "Not Available"; PolyPhen-2: "Benign"; Align-GVGD: "Not Available". The asparagine amino acid residue is found in multiple mammalian species, which suggests that this missense change does not adversely affect protein function. In summary, the available evidence is currently insufficient to determine the role of this variant in disease. Therefore, it has been classified as a Variant of Uncertain Significance.

Literature cited by the submitters: PubMed 30287823 (cited by Ambry Genetics).